The following is an entry in ClinVar:

NM_144997.7(FLCN):c.1232A>C (p.Glu411Ala)

Gene: FLCN (folliculin; minus strand). Cytogenetic location: 17p11.2.
Variant type: single nucleotide variant.
Coding change: c.1232A>C on transcript NM_144997.7 (MANE Select); coding-DNA position 1232, A replaced by C.
Protein change: p.Glu411Ala; replaces glutamic acid 411 with alanine.
Molecular consequence: missense variant.
Genome position (GRCh38, 1-based): chr17:17,216,448, T>G on the plus strand (A>C on the coding strand, the complement: FLCN is on the minus strand). VCF-style: chr17-17216448-T-G. GRCh37 (hg19) VCF-style: chr17-17119762-T-G.
Other names: c.1286A>C, p.Glu429Ala (NM_001353229.2); c.1232A>C, p.Glu411Ala (NM_001353230.2, NM_001353231.2); short protein forms E429A, E411A.
Identifiers: ClinVar variation 3279035 (VCV003279035.2).

ClinVar aggregate classification (germline): Uncertain significance. Review status: criteria provided, multiple submitters, no conflicts (2 of 4 stars). 2 submissions from 2 submitters: Uncertain significance (2). Last evaluated 2026-01-17.

Conditions:
Birt-Hogg-Dube syndrome. Also called: Birt Hogg Dubé syndrome. Identifiers: Orphanet 122, MedGen C0346010, MONDO:0800444.
Hereditary cancer-predisposing syndrome. Also called: Neoplastic Syndromes, Hereditary; Hereditary neoplastic syndrome; Tumor predisposition; Hereditary Cancer Syndrome. Identifiers: Orphanet 140162, MedGen C0027672, MeSH D009386, MONDO:0015356.

Submissions (2):

Labcorp Genetics (formerly Invitae), Labcorp
Classification: Uncertain significance for Birt-Hogg-Dube syndrome. Last evaluated: 2026-01-17. Review status: criteria provided, single submitter. Criteria: Invitae Variant Classification Sherloc (09022015). Collection method: clinical testing. Allele origin: germline.
Comment: This sequence change replaces glutamic acid, which is acidic and polar, with alanine, which is neutral and non-polar, at codon 411 of the FLCN protein (p.Glu411Ala). This variant is not present in population databases (gnomAD no frequency). This variant has not been reported in the literature in individuals affected with FLCN-related conditions. ClinVar contains an entry for this variant (Variation ID: 3279035). Invitae Evidence Modeling of protein sequence and biophysical properties (such as structural, functional, and spatial information, amino acid conservation, physicochemical variation, residue mobility, and thermodynamic stability) indicates that this missense variant is not expected to disrupt FLCN protein function with a negative predictive value of 80%. In summary, the available evidence is currently insufficient to determine the role of this variant in disease. Therefore, it has been classified as a Variant of Uncertain Significance.

Ambry Genetics
Classification: Uncertain significance for Hereditary cancer-predisposing syndrome. Last evaluated: 2024-05-31. Review status: criteria provided, single submitter. Criteria: Ambry Variant Classification Scheme 2023. Collection method: clinical testing. Allele origin: germline.
Comment: The p.E411A variant (also known as c.1232A>C), located in coding exon 8 of the FLCN gene, results from an A to C substitution at nucleotide position 1232. The glutamic acid at codon 411 is replaced by alanine, an amino acid with dissimilar properties. This amino acid position is conserved. In addition, the in silico prediction for this alteration is inconclusive. Based on the available evidence, the clinical significance of this variant remains unclear.